The following is an entry in ClinVar:

NM_000020.3(ACVRL1):c.193G>T (p.Glu65Ter)

Gene: ACVRL1 (activin A receptor like type 1; plus strand). Cytogenetic location: 12q13.13.
Variant type: single nucleotide variant.
Coding change: c.193G>T on transcript NM_000020.3 (MANE Select); coding-DNA position 193, G replaced by T.
Protein change: p.Glu65Ter; replaces glutamic acid 65 with a stop codon.
Molecular consequence: nonsense.
Genome position (GRCh38, 1-based): chr12:51,913,230, G>T. VCF-style: chr12-51913230-G-T. GRCh37 (hg19) VCF-style: chr12-52307014-G-T.
Other names: c.193G>T, p.Glu65Ter (NM_001077401.2); short protein forms E65*.
Identifiers: ClinVar variation 1455057 (VCV001455057.8), dbSNP rs1427299751, ClinGen allele CA384897873.

ClinVar aggregate classification (germline): Pathogenic. Review status: criteria provided, multiple submitters, no conflicts (2 of 4 stars). 2 submissions from 2 submitters: Pathogenic (2). Last evaluated 2026-01-06.

Conditions:
Telangiectasia, hereditary hemorrhagic, type 2 (HHT2). Also called: ACVRL1-Related Hereditary Hemorrhagic Telangiectasia; Telangiectasia, hereditary hemorrhagic, type II. Identifiers: Orphanet 774, MedGen C1838163, MONDO:0010880, OMIM 600376. Disease mechanism: loss of function.
Cardiovascular phenotype. Identifiers: MedGen CN230736.

Allele frequency attached by ClinVar (database versions not stated): gnomAD exomes below 0.00001.
gnomAD v4.1: 1 of 1,590,086 alleles (0.000063%); highest among the groups gnomAD compares: East Asian, 0.0023%; no homozygotes.

Submissions (2):

Labcorp Genetics (formerly Invitae), Labcorp
Classification: Pathogenic for Telangiectasia, hereditary hemorrhagic, type 2. Last evaluated: 2026-01-06. Review status: criteria provided, single submitter. Criteria: Invitae Variant Classification Sherloc (09022015). Collection method: clinical testing. Allele origin: germline.
Comment: This sequence change creates a premature translational stop signal (p.Glu65*) in the ACVRL1 gene. It is expected to result in an absent or disrupted protein product. Loss-of-function variants in ACVRL1 are known to be pathogenic (PMID: 15879500). This variant is not present in population databases (gnomAD no frequency). This premature translational stop signal has been observed in individual(s) with hereditary hemorrhagic telangiectasia (PMID: 32300199). ClinVar contains an entry for this variant (Variation ID: 1455057). Algorithms developed to predict the effect of sequence changes on RNA splicing suggest that this variant may create or strengthen a splice site. For these reasons, this variant has been classified as Pathogenic.

Ambry Genetics
Classification: Pathogenic for Cardiovascular phenotype. Last evaluated: 2022-10-05. Review status: criteria provided, single submitter. Criteria: Ambry Variant Classification Scheme 2023. Collection method: clinical testing. Allele origin: germline.
Comment: The p.E65* pathogenic mutation (also known as c.193G>T), located in coding exon 2 of the ACVRL1 gene, results from a G to T substitution at nucleotide position 193. This changes the amino acid from a glutamic acid to a stop codon within coding exon 2. This variant is considered to be rare based on population cohorts in the Genome Aggregation Database (gnomAD). This alteration is expected to result in loss of function by premature protein truncation or nonsense-mediated mRNA decay. As such, this alteration is interpreted as a disease-causing mutation.

Literature cited by the submitters: PubMed 15879500 (cited by Labcorp Genetics (formerly Invitae), Labcorp); PubMed 32300199 (cited by Labcorp Genetics (formerly Invitae), Labcorp).